The following is an entry in ClinVar:

ClinVar aggregate classification (germline): Uncertain significance (1 of 4 stars; one submission).

Conditions:
Holoprosencephaly 3 (HPE3). Identifiers: Orphanet 2162, MedGen C1840529, MONDO:0007733, OMIM 142945.

Allele frequency attached by ClinVar (database versions not stated): gnomAD 0.00005; TOPMed 0.00006.
gnomAD v4.1: 9 of 152,162 alleles (0.0059%); highest among the groups gnomAD compares: Non-Finnish European, 0.01%; no homozygotes.

Submission:

Labcorp Genetics (formerly Invitae), Labcorp
Classification: Uncertain significance for Holoprosencephaly 3. Last evaluated: 2023-04-19. Review status: criteria provided, single submitter. Criteria: Invitae Variant Classification Sherloc (09022015). Collection method: clinical testing. Allele origin: germline.
Comment: This variant has not been reported in the literature in individuals affected with SHH-related conditions. This variant is present in population databases (rs766839294, gnomAD 0.007%). This variant occurs in a non-coding region of the SHH gene. It does not change the encoded amino acid sequence of the SHH protein. Experimental studies and prediction algorithms are not available or were not evaluated, and the effect of this variant on mRNA splicing is currently unknown. In summary, the available evidence is currently insufficient to determine the role of this variant in disease. Therefore, it has been classified as a Variant of Uncertain Significance.

NC_000007.14:g.156769022A>C

Genes: LMBR1 (limb development membrane protein 1; minus strand), SHH (sonic hedgehog signaling molecule; minus strand). Cytogenetic location: 7q36.3.
Variant type: single nucleotide variant.
Molecular consequence: intron variant (on NM_022458.4).
Genome position: GRCh38 VCF-style: chr7-156769022-A-C. GRCh37 (hg19) VCF-style: chr7-156561716-A-C.
Other names: c.361-5227T>G (NM_001363412.2); c.145-5227T>G (NM_001350954.2); c.424-5227T>G (NM_001363410.2, NM_022458.4, NM_001363409.2 and 1 more transcripts); c.-33-5227T>G (NM_001350958.2, NM_001350956.2, NM_001350955.2 and 1 more transcripts); c.55-5227T>G (NM_001350957.2, NM_001363411.2).
Identifiers: ClinVar variation 2870671 (VCV002870671.3), dbSNP rs766839294, ClinGen allele CA169820926.